The following is an entry in ClinVar:

NM_004104.5(FASN):c.2182C>T (p.Arg728Cys)

Gene: FASN (fatty acid synthase; minus strand). Cytogenetic location: 17q25.3.
Variant type: single nucleotide variant.
Coding change: c.2182C>T on transcript NM_004104.5 (MANE Select); coding-DNA position 2182, C replaced by T.
Protein change: p.Arg728Cys; replaces arginine 728 with cysteine.
Molecular consequence: missense variant.
Genome position (GRCh38, 1-based): chr17:82,089,091, G>A on the plus strand (C>T on the coding strand, the complement: FASN is on the minus strand). VCF-style: chr17-82089091-G-A. GRCh37 (hg19) VCF-style: chr17-80046967-G-A.
Other names: short protein forms R728C.
Identifiers: ClinVar variation 2727159 (VCV002727159.3), dbSNP rs1021454550, ClinGen allele CA295134712.

ClinVar aggregate classification (germline): Uncertain significance (1 of 4 stars; one submission).

Conditions:
Epileptic encephalopathy. Identifiers: MedGen C0543888, HP:0200134.

Allele frequency attached by ClinVar (database versions not stated): gnomAD 0.00001; TOPMed 0.00003.
gnomAD v4.1: 15 of 1,574,132 alleles (0.00095%); highest among the groups gnomAD compares: Admixed American, 0.0037%; no homozygotes.

Submission:

Labcorp Genetics (formerly Invitae), Labcorp
Classification: Uncertain significance for Epileptic encephalopathy. Last evaluated: 2024-10-31. Review status: criteria provided, single submitter. Criteria: Invitae Variant Classification Sherloc (09022015). Collection method: clinical testing. Allele origin: germline.
Comment: This sequence change replaces arginine, which is basic and polar, with cysteine, which is neutral and slightly polar, at codon 728 of the FASN protein (p.Arg728Cys). This variant is present in population databases (no rsID available, gnomAD 0.01%). This variant has not been reported in the literature in individuals affected with FASN-related conditions. ClinVar contains an entry for this variant (Variation ID: 2727159). An algorithm developed to predict the effect of missense changes on protein structure and function (PolyPhen-2) suggests that this variant is likely to be disruptive. In summary, the available evidence is currently insufficient to determine the role of this variant in disease. Therefore, it has been classified as a Variant of Uncertain Significance.